The following is an entry in ClinVar:

ClinVar aggregate classification (germline): Uncertain significance (1 of 4 stars; one submission).

Conditions:
Tay-Sachs disease (TSD). Also called: GM2 gangliosidosis, type 1; Hexosaminidase alpha-subunit deficiency (variant B); Sphingolipidosis, Tay-Sachs; Hexosaminidase A Deficiency; HEXA DEFICIENCY; HEXA Disorders. Identifiers: Orphanet 845, MedGen C0039373, MONDO:0010100, OMIM 272800.

Submission:

Labcorp Genetics (formerly Invitae), Labcorp
Classification: Uncertain significance for Tay-Sachs disease. Last evaluated: 2022-08-19. Review status: criteria provided, single submitter. Criteria: Invitae Variant Classification Sherloc (09022015). Collection method: clinical testing. Allele origin: germline.
Comment: This sequence change replaces tyrosine, which is neutral and polar, with cysteine, which is neutral and slightly polar, at codon 68 of the HEXA protein (p.Tyr68Cys). This variant is not present in population databases (gnomAD no frequency). This variant has not been reported in the literature in individuals affected with HEXA-related conditions. Algorithms developed to predict the effect of missense changes on protein structure and function are either unavailable or do not agree on the potential impact of this missense change (SIFT: "Deleterious"; PolyPhen-2: "Probably Damaging"; Align-GVGD: "Class C0"). In summary, the available evidence is currently insufficient to determine the role of this variant in disease. Therefore, it has been classified as a Variant of Uncertain Significance.

NM_000520.6(HEXA):c.203A>G (p.Tyr68Cys)

Gene: HEXA (hexosaminidase subunit alpha; minus strand). Cytogenetic location: 15q23.
Variant type: single nucleotide variant.
Coding change: c.203A>G on transcript NM_000520.6 (MANE Select); coding-DNA position 203, A replaced by G.
Protein change: p.Tyr68Cys; replaces tyrosine 68 with cysteine.
Molecular consequence: missense variant. On other transcripts: non-coding transcript variant (1).
Genome position (GRCh38, 1-based): chr15:72,375,770, T>C on the plus strand (A>G on the coding strand, the complement: HEXA is on the minus strand). VCF-style: chr15-72375770-T-C. GRCh37 (hg19) VCF-style: chr15-72668111-T-C.
Other names: c.203A>G, p.Tyr68Cys (NM_001318825.2); short protein forms Y68C.
Identifiers: ClinVar variation 2142534 (VCV002142534.1), dbSNP rs2089056182, ClinGen allele CA393070185.